The following is an entry in ClinVar:

ClinVar aggregate classification (germline): Uncertain significance (1 of 4 stars; one submission).

Conditions:
Desbuquois dysplasia 1 (DBQD1). Also called: MICROMELIC DWARFISM WITH VERTEBRAL AND METAPHYSEAL ABNORMALITIES AND ADVANCED CARPOTARSAL OSSIFICATION; DESBUQUOIS DYSPLASIA 1, KIM VARIANT. Identifiers: Orphanet 1425, MedGen C4012146, MONDO:0009629, OMIM 251450.

Allele frequency attached by ClinVar (database versions not stated): TOPMed 0.00006; 1000 Genomes Project 30x 0.00016; gnomAD 0.00004; 1000 Genomes Project 0.00020; gnomAD exomes 0.00001; ExAC 0.00001.
gnomAD v4.1: 17 of 1,549,712 alleles (0.0011%); highest among the groups gnomAD compares: Admixed American, 0.026%; no homozygotes.

Submission:

Labcorp Genetics (formerly Invitae), Labcorp
Classification: Uncertain significance for Desbuquois dysplasia 1. Last evaluated: 2022-09-27. Review status: criteria provided, single submitter. Criteria: Invitae Variant Classification Sherloc (09022015). Collection method: clinical testing. Allele origin: germline.
Comment: This sequence change replaces alanine, which is neutral and non-polar, with threonine, which is neutral and polar, at codon 271 of the XYLT1 protein (p.Ala271Thr). This variant is present in population databases (rs183356442, gnomAD 0.01%). This variant has not been reported in the literature in individuals affected with XYLT1-related conditions. ClinVar contains an entry for this variant (Variation ID: 852248). Advanced modeling of protein sequence and biophysical properties (such as structural, functional, and spatial information, amino acid conservation, physicochemical variation, residue mobility, and thermodynamic stability) performed at Invitae indicates that this missense variant is not expected to disrupt XYLT1 protein function. In summary, the available evidence is currently insufficient to determine the role of this variant in disease. Therefore, it has been classified as a Variant of Uncertain Significance.

NM_022166.4(XYLT1):c.811G>A (p.Ala271Thr)

Gene: XYLT1 (xylosyltransferase 1; minus strand). Cytogenetic location: 16p12.3.
Variant type: single nucleotide variant.
Coding change: c.811G>A on transcript NM_022166.4 (MANE Select); coding-DNA position 811, G replaced by A.
Protein change: p.Ala271Thr; replaces alanine 271 with threonine.
Molecular consequence: missense variant.
Genome position (GRCh38, 1-based): chr16:17,259,090, C>T on the plus strand (G>A on the coding strand, the complement: XYLT1 is on the minus strand). VCF-style: chr16-17259090-C-T. GRCh37 (hg19) VCF-style: chr16-17352947-C-T.
Other names: short protein forms A271T.
Identifiers: ClinVar variation 852248 (VCV000852248.7), dbSNP rs183356442, ClinGen allele CA7928103.